The following is an entry in ClinVar:

ClinVar aggregate classification (germline): Uncertain significance (1 of 4 stars; one submission).

Allele frequency attached by ClinVar (database versions not stated): gnomAD 0.00001; gnomAD exomes 0.00004; ExAC 0.00005; TOPMed 0.00006.
gnomAD v4.1: 17 of 1,613,716 alleles (0.0011%); highest among the groups gnomAD compares: Admixed American, 0.028%; no homozygotes.

Submission:

Labcorp Genetics (formerly Invitae), Labcorp
Classification: Uncertain significance. Last evaluated: 2025-06-03. Review status: criteria provided, single submitter. Criteria: Invitae Variant Classification Sherloc (09022015). Collection method: clinical testing. Allele origin: germline.
Comment: This sequence change replaces lysine, which is basic and polar, with asparagine, which is neutral and polar, at codon 261 of the PRPF8 protein (p.Lys261Asn). This variant is present in population databases (rs749712016, gnomAD 0.03%). This variant has not been reported in the literature in individuals affected with PRPF8-related conditions. ClinVar contains an entry for this variant (Variation ID: 1414172). Invitae Evidence Modeling of protein sequence and biophysical properties (such as structural, functional, and spatial information, amino acid conservation, physicochemical variation, residue mobility, and thermodynamic stability) indicates that this missense variant is not expected to disrupt PRPF8 protein function with a negative predictive value of 80%. In summary, the available evidence is currently insufficient to determine the role of this variant in disease. Therefore, it has been classified as a Variant of Uncertain Significance.

NM_006445.4(PRPF8):c.783G>C (p.Lys261Asn)

Gene: PRPF8 (pre-mRNA processing factor 8; minus strand). Cytogenetic location: 17p13.3.
Variant type: single nucleotide variant.
Coding change: c.783G>C on transcript NM_006445.4 (MANE Select); coding-DNA position 783, G replaced by C.
Protein change: p.Lys261Asn; replaces lysine 261 with asparagine.
Molecular consequence: missense variant.
Genome position (GRCh38, 1-based): chr17:1,681,561, C>G on the plus strand (G>C on the coding strand, the complement: PRPF8 is on the minus strand). VCF-style: chr17-1681561-C-G. GRCh37 (hg19) VCF-style: chr17-1584855-C-G.
Other names: short protein forms K261N.
Identifiers: ClinVar variation 1414172 (VCV001414172.6), dbSNP rs749712016, ClinGen allele CA8272546.
Genomic context (GRCh38, chr17:1,681,561, plus strand): 5'-AGGTTCAAATTTGGGGCCTCCAGGAATGGCCATATTGAGTGCCTTGGACGTAAAGAAGGC[C>G]TTCAAATCAAACAGGTAGAAGTAGTTGTCATCCACCAAGTCTGTCAGGAGCTGATTAGCC-3'
Protein context (NP_006436.3, residues 251-271): DDNYFYLFDL[Lys261Asn]AFFTSKALNM